The following is an entry in ClinVar:

NM_020822.3(KCNT1):c.1226C>T (p.Pro409Leu)

Gene: KCNT1 (potassium sodium-activated channel subfamily T member 1; plus strand). Cytogenetic location: 9q34.3.
Variant type: single nucleotide variant.
Coding change: c.1226C>T on transcript NM_020822.3 (MANE Select); coding-DNA position 1226, C replaced by T.
Protein change: p.Pro409Leu; replaces proline 409 with leucine.
Molecular consequence: missense variant.
Genome position (GRCh38, 1-based): chr9:135,765,649, C>T. VCF-style: chr9-135765649-C-T. GRCh37 (hg19) VCF-style: chr9-138657495-C-T.
Other names: c.1091C>T, p.Pro364Leu (NM_001272003.2); short protein forms P409L, P364L.
Identifiers: ClinVar variation 420864 (VCV000420864.5), dbSNP rs1064794752, ClinGen allele CA16618794.
Genomic context (GRCh38, chr9:135,765,649, plus strand): 5'-GGCTCAGAGGGTCTGACCCTCCGCCTGGCCGGCAGGACTATTACGTGGTCATCCTGTGCC[C>T]CACGGAGATGGATGTCCAGGTGCGCAGAGTCCTGCAGATCCCTCTGTGGTCCCAGCGGGT-3'
Protein context (NP_065873.2, residues 399-419): LQDYYVVILC[Pro409Leu]TEMDVQVRRV

ClinVar aggregate classification (germline): Conflicting classifications of pathogenicity. Review status: criteria provided, conflicting classifications (1 of 4 stars). 2 submissions from 2 submitters: Likely pathogenic (1); Uncertain significance (1). Last evaluated 2023-10-12.

Conditions:
Developmental and epileptic encephalopathy, 14 (DEE14). Also called: Early infantile epileptic encephalopathy 14. Identifiers: Orphanet 293181, MedGen C3554195, MONDO:0013989, OMIM 614959.
Autosomal dominant nocturnal frontal lobe epilepsy 5. Also called: CILIARY DYSKINESIA, PRIMARY, 28, WITH SITUS INVERSUS; Epilepsy, nocturnal frontal lobe, 5; CILIARY DYSKINESIA, PRIMARY, 28, WITHOUT SITUS INVERSUS; KCNT1-Related Epilepsy. Identifiers: Orphanet 98784, MedGen C3554306, MONDO:0014002, OMIM 615005.

Submissions (2):

Labcorp Genetics (formerly Invitae), Labcorp
Classification: Uncertain significance for Autosomal dominant nocturnal frontal lobe epilepsy 5; Developmental and epileptic encephalopathy, 14. Last evaluated: 2023-10-12. Review status: criteria provided, single submitter. Criteria: Invitae Variant Classification Sherloc (09022015). Collection method: clinical testing. Allele origin: germline.
Comment: This sequence change replaces proline, which is neutral and non-polar, with leucine, which is neutral and non-polar, at codon 409 of the KCNT1 protein (p.Pro409Leu). This variant is not present in population databases (gnomAD no frequency). This variant has not been reported in the literature in individuals affected with KCNT1-related conditions. ClinVar contains an entry for this variant (Variation ID: 420864). Advanced modeling of protein sequence and biophysical properties (such as structural, functional, and spatial information, amino acid conservation, physicochemical variation, residue mobility, and thermodynamic stability) has been performed at Invitae for this missense variant, however the output from this modeling did not meet the statistical confidence thresholds required to predict the impact of this variant on KCNT1 protein function. This variant disrupts the p.Pro409 amino acid residue in KCNT1. Other variant(s) that disrupt this residue have been determined to be pathogenic (PMID: 26140313; Invitae). This suggests that this residue is clinically significant, and that variants that disrupt this residue are likely to be disease-causing. In summary, the available evidence is currently insufficient to determine the role of this variant in disease. Therefore, it has been classified as a Variant of Uncertain Significance.

GeneDx
Classification: Likely pathogenic. Last evaluated: 2016-04-01. Review status: criteria provided, single submitter. Criteria: GeneDx Variant Classification (06012015). Collection method: clinical testing. Allele origin: germline. Affected: yes.
Comment: The P409L variant in the KCNT1 gene has not been reported previously as a pathogenic variant noras a benign variant, to our knowledge. The P409L variant was not observed in approximately 6500individuals of European and African American ancestry in the NHLBI Exome Sequencing Project,indicating it is not a common benign variant in these populations. The P409L variant is asemi-conservative amino acid substitution, which may impact secondary protein structure as theseresidues differ in some properties. This substitution occurs at a position that is conserved acrossspecies. In silico analysis predicts this variant is probably damaging to the protein structure/function.Therefore, we interpret P409L as a likely pathogenic variant

Literature cited by the submitters: PubMed 26140313 (cited by Labcorp Genetics (formerly Invitae), Labcorp).